The following is an entry in ClinVar:

NM_005751.5(AKAP9):c.10373G>T (p.Arg3458Ile)

Gene: AKAP9 (A-kinase anchoring protein 9; plus strand). Cytogenetic location: 7q21.2.
Variant type: single nucleotide variant.
Coding change: c.10373G>T on transcript NM_005751.5 (MANE Select); coding-DNA position 10373, G replaced by T.
Protein change: p.Arg3458Ile; replaces arginine 3458 with isoleucine.
Molecular consequence: missense variant.
Genome position (GRCh38, 1-based): chr7:92,097,332, G>T. VCF-style: chr7-92097332-G-T. GRCh37 (hg19) VCF-style: chr7-91726646-G-T.
Other names: c.5018G>T, p.Arg1673Ile (NM_001379277.1); c.10349G>T, p.Arg3450Ile (NM_147185.3); short protein forms R3450I, R3458I, R1673I.
Identifiers: ClinVar variation 1358952 (VCV001358952.8), dbSNP rs775340634, ClinGen allele CA368155785.
Genomic context (GRCh38, chr7:92,097,332, plus strand): 5'-GAATCATGCAGGAATTCCAGAAGCAAGAACTAGAACGAGAAGAAAAACGAGAAAGTAGAA[G>T]AATTCTGTATCAGAACCTTAATGAGGTAAACTGACAGTTTCTTTTTAGATATTTTTAAGG-3'
Protein context (NP_005742.4, residues 3448-3468): LEREEKRESR[Arg3458Ile]ILYQNLNEPT

ClinVar aggregate classification (germline): Uncertain significance (1 of 4 stars; one submission).

Conditions:
Long QT syndrome (LQTS). Identifiers: MedGen C0023976, MeSH D008133, MONDO:0002442. Disease mechanism: loss of function. Inheritance: Various modes of inheritance.

Submission:

Labcorp Genetics (formerly Invitae), Labcorp
Classification: Uncertain significance for Long QT syndrome. Last evaluated: 2021-06-05. Review status: criteria provided, single submitter. Criteria: Invitae Variant Classification Sherloc (09022015). Collection method: clinical testing. Allele origin: germline.
Comment: This sequence change replaces arginine with isoleucine at codon 3458 of the AKAP9 protein (p.Arg3458Ile). The arginine residue is moderately conserved and there is a moderate physicochemical difference between arginine and isoleucine. This variant is not present in population databases (ExAC no frequency). This variant has not been reported in the literature in individuals with AKAP9-related conditions. Algorithms developed to predict the effect of missense changes on protein structure and function are either unavailable or do not agree on the potential impact of this missense change (SIFT: "Tolerated"; PolyPhen-2: "Probably Damaging"; Align-GVGD: "Class C0"). In summary, the available evidence is currently insufficient to determine the role of this variant in disease. Therefore, it has been classified as a Variant of Uncertain Significance.